The following is an entry in ClinVar:

NM_000548.5(TSC2):c.5186G>A (p.Arg1729His)

Gene: TSC2 (TSC complex subunit 2; plus strand). Cytogenetic location: 16p13.3.
Variant type: single nucleotide variant.
Coding change: c.5186G>A on transcript NM_000548.5 (MANE Select); coding-DNA position 5186, G replaced by A.
Protein change: p.Arg1729His; replaces arginine 1729 with histidine.
Molecular consequence: missense variant.
Genome position (GRCh38, 1-based): chr16:2,088,252, G>A. VCF-style: chr16-2088252-G-A. GRCh37 (hg19) VCF-style: chr16-2138253-G-A.
Other names: p.R1729H:CGC>CAC; c.4985G>A, p.Arg1662His (NM_001077183.3); c.5117G>A, p.Arg1706His (NM_001114382.3); c.4877G>A, p.Arg1626His (NM_001318827.2); c.4841G>A, p.Arg1614His (NM_001318829.2); c.4454G>A, p.Arg1485His (NM_001318831.2); c.5018G>A, p.Arg1673His (NM_001318832.2); c.4988G>A, p.Arg1663His (NM_001363528.2); and 4 more; short protein forms R1729H, R1485H, R1663H, R1673H, R1685H, R1614H, R1662H, R1706H.
Identifiers: ClinVar variation 207786 (VCV000207786.27), dbSNP rs760395277, ClinGen allele CA054348.

ClinVar aggregate classification (germline): Conflicting classifications of pathogenicity. Review status: criteria provided, conflicting classifications (1 of 4 stars). 9 submissions from 9 submitters: Uncertain significance (1); Benign (2); Likely benign (6). Last evaluated 2026-05-26.

Conditions:
TSC2-related disorder. Also called: TSC2-Related Disorders; TSC2-related condition.
Hereditary cancer-predisposing syndrome. Also called: Hereditary Cancer Syndrome; Neoplastic Syndromes, Hereditary; Tumor predisposition; Hereditary neoplastic syndrome. Identifiers: Orphanet 140162, MedGen C0027672, MeSH D009386, MONDO:0015356.
Tuberous sclerosis syndrome (TSC). Also called: Tuberous sclerosis; Tuberous Sclerosis Complex. Identifiers: Orphanet 805, MedGen C0041341, MONDO:0001734.
Tuberous sclerosis 2 (TSC2). Identifiers: Orphanet 805, MedGen C1860707, MONDO:0013199, OMIM 613254.

Allele frequency attached by ClinVar (database versions not stated): gnomAD 0.00004 and 0.00005; TOPMed 0.00004; ExAC 0.00005.
gnomAD v4.1: 57 of 1,604,608 alleles (0.0036%); highest among the groups gnomAD compares: Admixed American, 0.013%; no homozygotes.

Submissions (9):

PreventionGenetics, part of Exact Sciences
Classification: Likely benign for TSC2-related condition. Last evaluated: 2026-05-26. Review status: criteria provided, single submitter. Criteria: ACMG Guidelines, 2015. Collection method: clinical testing. Allele origin: germline.
Comment: This variant is classified as likely benign based on ACMG/AMP sequence variant interpretation guidelines (Richards et al. 2015 PMID: 25741868, with internal and published modifications).

Labcorp Genetics (formerly Invitae), Labcorp
Classification: Likely benign for Tuberous sclerosis 2. Last evaluated: 2026-01-21. Review status: criteria provided, single submitter. Criteria: Invitae Variant Classification Sherloc (09022015). Collection method: clinical testing. Allele origin: germline.

Myriad Genetics, Inc.
Classification: Benign for Tuberous sclerosis 2. Last evaluated: 2025-06-06. Review status: criteria provided, single submitter. Criteria: Myriad Autosomal Dominant, Autosomal Recessive and X-Linked Classification Criteria (2023). Collection method: clinical testing. Allele origin: unknown.
Comment: This variant is considered benign. This variant has been observed at a population frequency that is significantly greater than expected given the associated disease prevalence and penetrance. Homozygosity has been confirmed in one or more individuals. As homozygosity for pathogenic variants in this gene is generally assumed to result in embryonic lethality, this variant is unlikely to be pathogenic.

Blueprint Genetics
Classification: Likely benign. Last evaluated: 2024-10-11. Review status: criteria provided, single submitter. Criteria: ACMG Guidelines, 2015. Collection method: clinical testing. Allele origin: germline.

Color Diagnostics, LLC DBA Color Health
Classification: Uncertain significance for Tuberous sclerosis syndrome. Last evaluated: 2024-02-21. Review status: criteria provided, single submitter. Criteria: ACMG Guidelines, 2015. Collection method: clinical testing. Allele origin: germline.
Comment: This missense variant replaces arginine with histidine at codon 1729 of the TSC2 protein. Computational prediction suggests that this variant may have deleterious impact on protein structure and function. To our knowledge, functional studies have not been reported for this variant. This variant has not been reported in individuals affected with TSC2-related disorders in the literature. This variant has not been identified in the general population by the Genome Aggregation Database (gnomAD). The available evidence is insufficient to determine the role of this variant in disease conclusively. Therefore, this variant is classified as a Variant of Uncertain Significance.

Ambry Genetics
Classification: Likely benign for Hereditary cancer-predisposing syndrome. Last evaluated: 2023-12-19. Review status: criteria provided, single submitter. Criteria: Ambry Variant Classification Scheme 2023. Collection method: clinical testing. Allele origin: germline.

Sema4
Classification: Likely benign for Hereditary cancer-predisposing syndrome. Last evaluated: 2021-12-20. Review status: criteria provided, single submitter. Criteria: Sema4 Curation Guidelines. Collection method: curation. Allele origin: germline.

Genome-Nilou Lab
Classification: Benign for Tuberous sclerosis 2. Last evaluated: 2021-11-07. Review status: criteria provided, single submitter. Criteria: ACMG Guidelines, 2015. Collection method: clinical testing. Allele origin: germline. Affected: no.

GeneDx
Classification: Likely benign. Last evaluated: 2021-02-15. Review status: criteria provided, single submitter. Criteria: GeneDx Variant Classification Process June 2021. Collection method: clinical testing. Allele origin: germline. Affected: yes.
Comment: This variant is associated with the following publications: (PMID: 27930734, 28191889)